The following is an entry in ClinVar:

NM_022437.3(ABCG8):c.1772C>T (p.Ser591Phe)

Gene: ABCG8 (ATP binding cassette subfamily G member 8; plus strand). Cytogenetic location: 2p21.
Variant type: single nucleotide variant.
Coding change: c.1772C>T on transcript NM_022437.3 (MANE Select); coding-DNA position 1772, C replaced by T.
Protein change: p.Ser591Phe; replaces serine 591 with phenylalanine.
Molecular consequence: missense variant.
Genome position (GRCh38, 1-based): chr2:43,877,576, C>T. VCF-style: chr2-43877576-C-T. GRCh37 (hg19) VCF-style: chr2-44104715-C-T.
Other names: c.1769C>T, p.Ser590Phe (NM_001357321.2); short protein forms S591F, S590F.
Identifiers: ClinVar variation 4842683 (VCV004842683.1).
Genomic context (GRCh38, chr2:43,877,576, plus strand): 5'-AGAATATGAGGGACACCTGTGAGTAACGCGGCTGTCTGTCTCCAGTGCCCGCGTGGATTT[C>T]CAAAGTGTCCTTCCTGCGGTGGTGTTTTGAAGGGCTGATGAAGATTCAGTTCAGCAGAAG-3'
Protein context (NP_071882.1, residues 581-601): SSLWTVPAWI[Ser591Phe]KVSFLRWCFE

ClinVar aggregate classification (germline): Uncertain significance (1 of 4 stars; one submission).

Conditions:
Cardiovascular phenotype. Identifiers: MedGen CN230736.

gnomAD v4.1: 2 of 1,613,914 alleles (0.00012%); highest among the groups gnomAD compares: South Asian, 0.0011%; no homozygotes.

Submission:

Ambry Genetics
Classification: Uncertain significance for Cardiovascular phenotype. Last evaluated: 2025-12-21. Review status: criteria provided, single submitter. Criteria: Ambry Variant Classification Scheme 2023. Collection method: clinical testing. Allele origin: germline.
Comment: The p.S591F variant (also known as c.1772C>T), located in coding exon 12 of the ABCG8 gene, results from a C to T substitution at nucleotide position 1772. The serine at codon 591 is replaced by phenylalanine, an amino acid with highly dissimilar properties. This amino acid position is conserved. In addition, this alteration is predicted to be deleterious by in silico analysis. Based on the available evidence, the clinical significance of this variant remains unclear.